The following is an entry in ClinVar:

NM_003126.4(SPTA1):c.5077A>C (p.Lys1693Gln)

Gene: SPTA1 (spectrin alpha, erythrocytic 1; minus strand). Cytogenetic location: 1q23.1.
Variant type: single nucleotide variant.
Coding change: c.5077A>C on transcript NM_003126.4 (MANE Select); coding-DNA position 5077, A replaced by C.
Protein change: p.Lys1693Gln; replaces lysine 1693 with glutamine.
Molecular consequence: missense variant.
Genome position (GRCh38, 1-based): chr1:158,638,145, T>G on the plus strand (A>C on the coding strand, the complement: SPTA1 is on the minus strand). VCF-style: chr1-158638145-T-G. GRCh37 (hg19) VCF-style: chr1-158607935-T-G.
Other names: short protein forms K1693Q.
Identifiers: ClinVar variation 258943 (VCV000258943.35), dbSNP rs857725, ClinGen allele CA1182432.

ClinVar aggregate classification (germline): Benign/Likely benign. Review status: criteria provided, multiple submitters, no conflicts (2 of 4 stars). 11 submissions from 9 submitters: Benign (8); Likely benign (1). 2 of the submissions do not count toward it. Last evaluated 2026-02-01.

Conditions:
Hereditary spherocytosis type 3. Also called: Spherocytosis type 3; SPTA1-Related Spherocytosis. Identifiers: Orphanet 822, MedGen C2678338, MONDO:0010053, OMIM 270970.
Elliptocytosis 2 (EL2). Also called: ELLIPTOCYTOSIS, RHESUS-UNLINKED TYPE. Identifiers: Orphanet 288, MedGen C1851741, MONDO:0007533, OMIM 130600.
Pyropoikilocytosis, hereditary. Also called: Pyropoikilocytosis. Identifiers: MedGen C0520739, MONDO:0009948, OMIM 266140, HP:0004839. Disease mechanism: loss of function.

Allele frequency attached by ClinVar (database versions not stated): ESP Exome Variant Server 0.21836; gnomAD 0.23548 and 0.23805; 1000 Genomes Project 0.24561; ExAC 0.27368; TOPMed 0.23846; 1000 Genomes Project 30x 0.24063.
gnomAD v4.1: 428,287 of 1,613,752 alleles (27%); highest among the groups gnomAD compares: East Asian, 41%; 59,409 homozygotes.

Submissions (11):

Labcorp Genetics (formerly Invitae), Labcorp
Classification: Benign. Last evaluated: 2026-02-01. Review status: criteria provided, single submitter. Criteria: Invitae Variant Classification Sherloc (09022015). Collection method: clinical testing. Allele origin: germline.

ARUP Laboratories, Molecular Genetics and Genomics, ARUP Laboratories
Classification: Benign. Last evaluated: 2025-07-28. Review status: criteria provided, single submitter. Criteria: ARUP Molecular Germline Variant Investigation Process 2024. Collection method: clinical testing. Allele origin: germline.

Blueprint Genetics
Classification: Likely benign. Last evaluated: 2024-11-26. Review status: criteria provided, single submitter. Criteria: ACMG Guidelines, 2015. Collection method: clinical testing. Allele origin: germline.

Illumina Laboratory Services, Illumina
Classification: Benign for Elliptocytosis 2. Last evaluated: 2018-01-12. Review status: criteria provided, single submitter. Criteria: ICSL Variant Classification Criteria 13 December 2019. Collection method: clinical testing. Allele origin: germline.
Comment: This variant was observed in the ICSL laboratory as part of a predisposition screen in an ostensibly healthy population. It had not been previously curated by ICSL or reported in the Human Gene Mutation Database (HGMD: prior to June 1st, 2018), and was therefore a candidate for classification through an automated scoring system. Utilizing variant allele frequency, disease prevalence and penetrance estimates, and inheritance mode, an automated score was calculated to assess if this variant is too frequent to cause the disease. Based on the score and internal cut-off values, a variant classified as benign is not then subjected to further curation. The score for this variant resulted in a classification of benign for this disease.

Illumina Laboratory Services, Illumina
Classification: Benign for Pyropoikilocytosis, hereditary. Last evaluated: 2018-01-12. Review status: criteria provided, single submitter. Criteria: ICSL Variant Classification Criteria 13 December 2019. Collection method: clinical testing. Allele origin: germline.
Comment: the same text as in the submission from Illumina Laboratory Services, Illumina above.

Illumina Laboratory Services, Illumina
Classification: Benign for Hereditary spherocytosis type 3. Last evaluated: 2018-01-12. Review status: criteria provided, single submitter. Criteria: ICSL Variant Classification Criteria 13 December 2019. Collection method: clinical testing. Allele origin: germline.
Comment: the same text as in the submission from Illumina Laboratory Services, Illumina above.

Mayo Clinic Laboratories, Mayo Clinic
Classification: Benign. Last evaluated: 2016-04-16. Review status: criteria provided, single submitter. Criteria: ACMG Guidelines, 2015. Collection method: clinical testing. Allele origin: germline. Observed: 920 variant alleles.

Breakthrough Genomics
Classification: Benign. Review status: criteria provided, single submitter. Criteria: ACMG Guidelines, 2015. Collection method: not provided. Allele origin: germline. Inheritance: Autosomal recessive inheritance. Affected: yes.

PreventionGenetics, part of Exact Sciences
Classification: Benign. Review status: criteria provided, single submitter. Criteria: ACMG Guidelines, 2015. Collection method: clinical testing. Allele origin: germline.

Diagnostic Laboratory, Department of Genetics, University Medical Center Groningen
Classification: Benign. Review status: no assertion criteria provided. Collection method: clinical testing. Allele origin: germline. Affected: yes. Study: VKGL Data-share Consensus. Not counted in ClinVar's aggregate classification.

Genome Diagnostics Laboratory, University Medical Center Utrecht
Classification: Benign. Review status: no assertion criteria provided. Collection method: clinical testing. Allele origin: germline. Affected: yes. Study: VKGL Data-share Consensus. Not counted in ClinVar's aggregate classification.